The following is an entry in ClinVar:

NM_018946.4(NANS):c.200T>C (p.Leu67Ser)

Genes: NANS (N-acetylneuraminate synthase; plus strand), TRIM14 (tripartite motif containing 14; minus strand). Cytogenetic location: 9q22.33.
Variant type: single nucleotide variant.
Coding change: c.200T>C on transcript NM_018946.4 (MANE Select); coding-DNA position 200, T replaced by C.
Protein change: p.Leu67Ser; replaces leucine 67 with serine.
Molecular consequence: missense variant.
Genome position (GRCh38, 1-based): chr9:98,060,849, T>C. VCF-style: chr9-98060849-T-C. GRCh37 (hg19) VCF-style: chr9-100823131-T-C.
Other names: short protein forms L67S.
Identifiers: ClinVar variation 2507125 (VCV002507125.2), dbSNP rs375797722, ClinGen allele CA374194434.

ClinVar aggregate classification (germline): Likely pathogenic (1 of 4 stars; one submission).

Submission:

GeneDx
Classification: Likely pathogenic. Last evaluated: 2024-09-27. Review status: criteria provided, single submitter. Criteria: GeneDx Variant Classification Process June 2021. Collection method: clinical testing. Allele origin: germline. Affected: yes.
Comment: Not observed at significant frequency in large population cohorts (gnomAD); In silico analysis supports that this missense variant has a deleterious effect on protein structure/function; Has not been previously published as pathogenic or benign to our knowledge